The following is an entry in ClinVar:

NM_002878.4(RAD51D):c.650G>C (p.Gly217Ala)

Genes: RAD51L3-RFFL (RAD51L3-RFFL readthrough; minus strand), RAD51D (RAD51 paralog D; minus strand). Cytogenetic location: 17q12.
Variant type: single nucleotide variant.
Coding change: c.650G>C on transcript NM_002878.4 (MANE Select); coding-DNA position 650, G replaced by C.
Protein change: p.Gly217Ala; replaces glycine 217 with alanine.
Molecular consequence: missense variant. On other transcripts: non-coding transcript variant (3).
Genome position (GRCh38, 1-based): chr17:35,103,471, C>G on the plus strand (G>C on the coding strand, the complement: RAD51D is on the minus strand). VCF-style: chr17-35103471-C-G. GRCh37 (hg19) VCF-style: chr17-33430490-C-G.
Other names: c.710G>C, p.Gly237Ala (NM_001142571.2); c.314G>C, p.Gly105Ala (NM_133629.3); short protein forms G105A, G217A, G237A.
Identifiers: ClinVar variation 2774205 (VCV002774205.2), dbSNP rs2142420356, ClinGen allele CA399087864.

ClinVar aggregate classification (germline): Uncertain significance (1 of 4 stars; one submission).

Conditions:
Hereditary cancer-predisposing syndrome. Also called: Hereditary neoplastic syndrome; Hereditary Cancer Syndrome; Neoplastic Syndromes, Hereditary; Tumor predisposition. Identifiers: Orphanet 140162, MedGen C0027672, MeSH D009386, MONDO:0015356.

Submission:

Color Diagnostics, LLC DBA Color Health
Classification: Uncertain significance for Hereditary cancer-predisposing syndrome. Last evaluated: 2022-07-05. Review status: criteria provided, single submitter. Criteria: ACMG Guidelines, 2015. Collection method: clinical testing. Allele origin: germline.
Comment: This missense variant replaces glycine with alanine at codon 217 of the RAD51D protein. Computational prediction suggests that this variant may not impact protein structure and function (internally defined REVEL score threshold <= 0.5, PMID: 27666373). To our knowledge, functional studies have not been reported for this variant. This variant has not been reported in individuals affected with hereditary cancer in the literature. This variant has not been identified in the general population by the Genome Aggregation Database (gnomAD). The available evidence is insufficient to determine the role of this variant in disease conclusively. Therefore, this variant is classified as a Variant of Uncertain Significance.